The following is an entry in ClinVar:

ClinVar aggregate classification (germline): Uncertain significance (1 of 4 stars; one submission).

Conditions:
Hypertrophic cardiomyopathy. Also called: HYPERTROPHIC MYOCARDIOPATHY. Identifiers: Orphanet 217569, MedGen C0007194, MeSH D002312, MONDO:0005045, HP:0001639.

Submission:

Labcorp Genetics (formerly Invitae), Labcorp
Classification: Uncertain significance for Hypertrophic cardiomyopathy. Last evaluated: 2026-01-19. Review status: criteria provided, single submitter. Criteria: Invitae Variant Classification Sherloc (09022015). Collection method: clinical testing. Allele origin: germline.
Comment: This sequence change replaces alanine, which is neutral and non-polar, with proline, which is neutral and non-polar, at codon 1130 of the MYH7 protein (p.Ala1130Pro). This variant is not present in population databases (gnomAD no frequency). This variant has not been reported in the literature in individuals affected with MYH7-related conditions. Invitae Evidence Modeling of protein sequence and biophysical properties (such as structural, functional, and spatial information, amino acid conservation, physicochemical variation, residue mobility, and thermodynamic stability) indicates that this missense variant is expected to disrupt MYH7 protein function with a positive predictive value of 95%. In summary, the available evidence is currently insufficient to determine the role of this variant in disease. Therefore, it has been classified as a Variant of Uncertain Significance.

NM_000257.4(MYH7):c.3388G>C (p.Ala1130Pro)

Gene: MYH7 (myosin heavy chain 7; minus strand). Cytogenetic location: 14q11.2.
Variant type: single nucleotide variant.
Coding change: c.3388G>C on transcript NM_000257.4 (MANE Select); coding-DNA position 3388, G replaced by C.
Protein change: p.Ala1130Pro; replaces alanine 1130 with proline.
Molecular consequence: missense variant.
Genome position (GRCh38, 1-based): chr14:23,420,183, C>G on the plus strand (G>C on the coding strand, the complement: MYH7 is on the minus strand). VCF-style: chr14-23420183-C-G. GRCh37 (hg19) VCF-style: chr14-23889392-C-G.
Other names: c.3388G>C, p.Ala1130Pro (NM_001407004.1); short protein forms A1130P.
Identifiers: ClinVar variation 4801930 (VCV004801930.1).